The following is an entry in ClinVar:

ClinVar aggregate classification (germline): Likely pathogenic (1 of 4 stars; one submission).

Submission:

GeneDx
Classification: Likely pathogenic. Last evaluated: 2025-01-10. Review status: criteria provided, single submitter. Criteria: GeneDx Variant Classification Process June 2021. Collection method: clinical testing. Allele origin: germline. Affected: yes.
Comment: Affects a cysteine residue within a TGF-binding protein domain (aka TB domain or 8-Cysteine domain) and is expected to disrupt disulfide bonding within this domain; other missense substitutions that affect cysteine residues within TGF-binding protein domains have been reported in association with FBN1-related disorders (PMIDs: 8281141, 21175431, 7622614; HGMD); Not observed at significant frequency in large population cohorts (gnomAD); In silico analysis supports that this missense variant has a deleterious effect on protein structure/function; Has not been previously published as pathogenic or benign to our knowledge; This variant is associated with the following publications: (PMID: 8281141, 21175431, 7622614)

NM_000138.5(FBN1):c.2008T>A (p.Cys670Ser)

Gene: FBN1 (fibrillin 1; minus strand). Cytogenetic location: 15q21.1.
Variant type: single nucleotide variant.
Coding change: c.2008T>A on transcript NM_000138.5 (MANE Select); coding-DNA position 2008, T replaced by A.
Protein change: p.Cys670Ser; replaces cysteine 670 with serine.
Molecular consequence: missense variant.
Genome position (GRCh38, 1-based): chr15:48,503,892, A>T on the plus strand (T>A on the coding strand, the complement: FBN1 is on the minus strand). VCF-style: chr15-48503892-A-T. GRCh37 (hg19) VCF-style: chr15-48796089-A-T.
Other names: c.2008T>A, p.Cys670Ser (NM_001406716.1); short protein forms C670S.
Identifiers: ClinVar variation 4070645 (VCV004070645.1).